The following is an entry in ClinVar:

ClinVar aggregate classification (germline): Conflicting classifications of pathogenicity. Review status: criteria provided, conflicting classifications (1 of 4 stars). 6 submissions from 6 submitters: Uncertain significance (3); Likely benign (3). Last evaluated 2026-06-10.

Conditions:
Hereditary breast ovarian cancer syndrome. Also called: Breast and ovarian cancer; Hereditary breast and/or ovarian cancer syndrome; BRCA1- and BRCA2-Associated Hereditary Breast and Ovarian Cancer; Hereditary breast and ovarian cancer syndrome; Hereditary breast and ovarian cancer syndrome (HBOC); Hereditary breast and ovarian cancer. Identifiers: Orphanet 145, MedGen C0677776, MeSH D061325, MONDO:0003582. Disease mechanism: loss of function.
Breast-ovarian cancer, familial, susceptibility to, 1 (BROVCA1). Also called: BRCA1 Hereditary Breast and Ovarian Cancer; OVARIAN CANCER, SUSCEPTIBILITY TO. Identifiers: Orphanet 145, MedGen C2676676, MONDO:0011450, OMIM 604370. Disease mechanism: loss of function.
Hereditary cancer-predisposing syndrome. Also called: Tumor predisposition; Hereditary Cancer Syndrome; Hereditary neoplastic syndrome; Neoplastic Syndromes, Hereditary. Identifiers: Orphanet 140162, MedGen C0027672, MeSH D009386, MONDO:0015356.

Allele frequency attached by ClinVar (database versions not stated): gnomAD exomes below 0.00001; gnomAD 0.00002; TOPMed 0.00002.
gnomAD v4.1: 4 of 1,613,946 alleles (0.00025%); highest among the groups gnomAD compares: African/African-American, 0.004%; no homozygotes.

Submissions (7):

Women's Health and Genetics/Laboratory Corporation of America, LabCorp
Classification: Likely benign. Last evaluated: 2026-06-10. Review status: criteria provided, single submitter. Criteria: LabCorp Variant Classification Summary - May 2015. Collection method: clinical testing. Allele origin: germline.
Comment: Variant summary: BRCA1 c.5528C>T (p.Ala1843Val) results in a non-conservative amino acid change located in the BRCT domain (IPR001357) of the encoded protein sequence. Algorithms developed to predict the effect of missense changes on protein structure and function all suggest that this variant is likely to be disruptive. The variant allele was found at a frequency of 4e-06 in 251346 control chromosomes. The available data on variant occurrences in the general population are insufficient to allow any conclusion about variant significance. To our knowledge, no occurrence of c.5528C>T in individuals affected with BRCA1-related conditions has been reported. At least one functional study reports experimental evidence evaluating an impact on protein function and showed no damaging effect of this variant on homology directed repair (HDR) activity (e.g. Findlay_2018). HDR assays qualify as a recognized gold standard on the basis of updated guidance provided by the ClinGen Sequence Variant Interpretation (SVI) working group. The following publication has been ascertained in the context of this evaluation (PMID: 30209399). ClinVar contains an entry for this variant (Variation ID: 496396). Based on the evidence outlined above, the variant was classified as likely benign.

Labcorp Genetics (formerly Invitae), Labcorp
Classification: Uncertain significance for Hereditary breast ovarian cancer syndrome. Last evaluated: 2025-08-07. Review status: criteria provided, single submitter. Criteria: Invitae Variant Classification Sherloc (09022015). Collection method: clinical testing. Allele origin: germline.
Comment: This sequence change replaces alanine, which is neutral and non-polar, with valine, which is neutral and non-polar, at codon 1843 of the BRCA1 protein (p.Ala1843Val). This variant is present in population databases (no rsID available, gnomAD 0.003%). This variant has not been reported in the literature in individuals affected with BRCA1-related conditions. ClinVar contains an entry for this variant (Variation ID: 496396). Invitae Evidence Modeling incorporating data from in vitro experimental studies (PMID: 30209399) indicates that this missense variant is not expected to disrupt BRCA1 function with a negative predictive value of 95%. Experimental studies have shown that this missense change does not substantially affect BRCA1 function (PMID: 30209399). In summary, the available evidence is currently insufficient to determine the role of this variant in disease. Therefore, it has been classified as a Variant of Uncertain Significance.

Quest Diagnostics Nichols Institute San Juan Capistrano
Classification: Uncertain significance. Last evaluated: 2025-05-24. Review status: criteria provided, single submitter. Criteria: Quest Diagnostics criteria. Collection method: clinical testing. Allele origin: unknown.
Comment: The BRCA1 c.5528C>T (p.Ala1843Val) variant has been reported in the published literature in a functional study to not be damaging to protein function (PMID: 30209399 (2018)). The frequency of this variant in the general population (Genome Aggregation Database) is uninformative in the assessment of its pathogenicity. Analysis of this variant using bioinformatics tools for the prediction of the effect of amino acid changes on protein structure and function yielded conflicting predictions that this variant is deleterious or benign. Based on the available information, we are unable to determine the clinical significance of this variant.

Lupski Lab, Baylor-Hopkins CMG, Baylor College of Medicine
Classification: Likely benign for Breast-ovarian cancer, familial, susceptibility to, 1. Last evaluated: 2024-04-12. Review status: criteria provided, single submitter. Criteria: Dawood et al. (medRxiv. 2024). Collection method: curation. Allele origin: germline.
Comment: Each variant was annotated with functional scores from MAVE data which was translated into functional evidence codes. All other evidence codes and combining criteria were adhered to as closely as possible based on the ClinGen VCEP (Variant Curation Expert Panel) gene-specific recommendations. See Supplemental Figure 34 of final paper (Supp Fig. 28 in preprint: doi:10.1101/2024.04.11.24305690) for a table to see which lines of evidence we did not have data for. The ClinGen VCEPs are highly regarded as the gold-standard for gene-specific variant curation and are developed after extensive evaluation of the evidence by clinical and scientific experts for the particular gene to classify genomic variants on a spectrum from pathogenic to benign using the 2015 ACMG/AMP Variant Interpretation Guidelines as a backbone (PMID: 25741868). Reclassification of these VUS variants from gnomAD or All of Us focused only on variants originally prescribed as VUS in ClinVar. To ensure reproducibility, transparency, and increased throughput, all the procedures for annotating variants and assigning evidence codes were codified using Python. All code has been made freely available and is linked in the Code Availability section and all reclassified variants with evidence codes used can be found in Tables S18-19 (preprint: doi:10.1101/2024.04.11.24305690). For the MAVE data, the clinical curation and clinical strength assignment as per the ClinGen recommendations in Brnich et al. (2020) (PMID: 31892348) for or against pathogenicity or benignity of each of these MAVE datasets utilized in this study were previously published in Fayer et al. (2021) (PMID: 34793697).In brief, for BRCA1 variants, if a variant was categorized as FUNC (functional), it was assigned BS3 evidence and no PS3 evidence, whereas if it was categorized as LOF (loss of function), the variant was assigned PS3 evidence and no BS3 evidence. Variants categorized as INT (intermediate) were left unannotated. For the BRCA1 combining criteria, greater than or equal to 1 criteria of strong benign evidence was enough to reclassify the VUS as Likely Benign. This variant GRCh38:17:43045742:G>A was assigned evidence codes ['BS3', 'BP4'] and an overall classification of Likely benign

Baylor Genetics
Classification: Uncertain significance for Breast-ovarian cancer, familial, susceptibility to, 1. Last evaluated: 2023-09-28. Review status: criteria provided, single submitter. Criteria: ACMG Guidelines, 2015. Collection method: clinical testing. Allele origin: unknown.

Ambry Genetics
Classification: Likely benign for Hereditary cancer-predisposing syndrome. Last evaluated: 2021-04-16. Review status: criteria provided, single submitter. Criteria: Ambry Variant Classification Scheme 2023. Collection method: clinical testing. Allele origin: germline.

Brotman Baty Institute, University of Washington
No classification provided (evidence only). Condition: Breast-ovarian cancer, familial 1. Review status: no classification provided. Collection method: in vitro. Allele origin: not applicable. Functional consequence: functionally_normal. Not counted in ClinVar's aggregate classification.
ClinVar note: "not provided" was previously submitted as the classification for the variant. However, the classification appeared to be based only on an observation of functional data so it was converted to no classification on 2025-07-30.

Literature cited by the submitters: PubMed 30209399 (cited by 4 submitters); PubMed 39142283 (cited by Lupski Lab, Baylor-Hopkins CMG, Baylor College of Medicine); PubMed 34793697 (cited by Lupski Lab, Baylor-Hopkins CMG, Baylor College of Medicine); DOI 10.1101/2024.04.11.24305690 (cited by Lupski Lab, Baylor-Hopkins CMG, Baylor College of Medicine).

NM_007294.4(BRCA1):c.5528C>T (p.Ala1843Val)

Gene: BRCA1 (BRCA1 DNA repair associated; minus strand). Cytogenetic location: 17q21.31.
Variant type: single nucleotide variant.
Coding change: c.5528C>T on transcript NM_007294.4 (MANE Select); coding-DNA position 5528, C replaced by T.
Protein change: p.Ala1843Val; replaces alanine 1843 with valine.
Molecular consequence: missense variant. On other transcripts: 3 prime UTR variant (1), non-coding transcript variant (1).
Genome position (GRCh38, 1-based): chr17:43,045,742, G>A on the plus strand (C>T on the coding strand, the complement: BRCA1 is on the minus strand). VCF-style: chr17-43045742-G-A. GRCh37 (hg19) VCF-style: chr17-41197759-G-A.
Other names: c.5315C>T, p.Ala1772Val (NM_001407571.1, NM_001407894.1, NM_001407908.1 and 12 more transcripts); c.5594C>T, p.Ala1865Val (NM_001407581.1, NM_001407582.1); c.5591C>T, p.Ala1864Val (NM_001407583.1, NM_001407585.1, NM_001407587.1 and 1 more transcripts); c.5588C>T, p.Ala1863Val (NM_001407590.1, NM_001407591.1); c.5528C>T, p.Ala1843Val (NM_001407593.1, NM_001407594.1, NM_001407596.1 and 5 more transcripts); c.5525C>T, p.Ala1842Val (NM_001407614.1, NM_001407615.1, NM_001407616.1 and 14 more transcripts); c.5522C>T, p.Ala1841Val (NM_001407633.1, NM_001407634.1, NM_001407635.1 and 13 more transcripts); c.5450C>T, p.Ala1817Val (NM_001407655.1, NM_001407652.1, NM_001407653.1 and 1 more transcripts); and 74 more; short protein forms A1843V, A1864V, A739V, A1796V, A1546V, A1674V, A1714V, A1772V.
Identifiers: ClinVar variation 496396 (VCV000496396.24), dbSNP rs730881447, ClinGen allele CA10590262.